The following is an entry in ClinVar:

NM_004855.5(PIGB):c.277G>A (p.Val93Ile)

Gene: PIGB (phosphatidylinositol glycan anchor biosynthesis class B; plus strand). Cytogenetic location: 15q21.3.
Variant type: single nucleotide variant.
Coding change: c.277G>A on transcript NM_004855.5 (MANE Select); coding-DNA position 277, G replaced by A.
Protein change: p.Val93Ile; replaces valine 93 with isoleucine.
Molecular consequence: missense variant.
Genome position (GRCh38, 1-based): chr15:55,320,388, G>A. VCF-style: chr15-55320388-G-A. GRCh37 (hg19) VCF-style: chr15-55612586-G-A.
Other names: short protein forms V93I.
Identifiers: ClinVar variation 1974146 (VCV001974146.5), dbSNP rs2543057192, ClinGen allele CA392541402.
Genomic context (GRCh38, chr15:55,320,388, plus strand): 5'-TTAAACTGCTTTTTAGTGCAGACAAGTTTTGTTCCAGATGAATACTGGCAGTCTCTTGAA[G>A]TTTCACATCACATGGTTTTCAAATATCCTTTGTGGTTTCTTTTCCAGACTATGAGTGTGT-3'
Protein context (NP_004846.4, residues 83-103): VPDEYWQSLE[Val93Ile]SHHMVFNYGY

ClinVar aggregate classification (germline): Uncertain significance (1 of 4 stars; one submission).

gnomAD v4.1: 2 of 1,613,610 alleles (0.00012%); highest among the groups gnomAD compares: Non-Finnish European, 0.00017%; no homozygotes.

Submission:

Labcorp Genetics (formerly Invitae), Labcorp
Classification: Uncertain significance. Last evaluated: 2022-04-17. Review status: criteria provided, single submitter. Criteria: Invitae Variant Classification Sherloc (09022015). Collection method: clinical testing. Allele origin: germline.
Comment: This sequence change replaces valine, which is neutral and non-polar, with isoleucine, which is neutral and non-polar, at codon 93 of the PIGB protein (p.Val93Ile). This variant is not present in population databases (gnomAD no frequency). This variant has not been reported in the literature in individuals affected with PIGB-related conditions. Algorithms developed to predict the effect of missense changes on protein structure and function are either unavailable or do not agree on the potential impact of this missense change (SIFT: "Tolerated"; PolyPhen-2: "Possibly Damaging"; Align-GVGD: "Class C0"). In summary, the available evidence is currently insufficient to determine the role of this variant in disease. Therefore, it has been classified as a Variant of Uncertain Significance.